The following is an entry in ClinVar:

NM_032638.5(GATA2):c.637T>C (p.Tyr213His)

Gene: GATA2 (GATA binding protein 2; minus strand). Cytogenetic location: 3q21.3.
Variant type: single nucleotide variant.
Coding change: c.637T>C on transcript NM_032638.5 (MANE Select); coding-DNA position 637, T replaced by C.
Protein change: p.Tyr213His; replaces tyrosine 213 with histidine.
Molecular consequence: missense variant.
Genome position (GRCh38, 1-based): chr3:128,485,961, A>G on the plus strand (T>C on the coding strand, the complement: GATA2 is on the minus strand). VCF-style: chr3-128485961-A-G. GRCh37 (hg19) VCF-style: chr3-128204804-A-G.
Other names: c.637T>C, p.Tyr213His (NM_001145661.2, NM_001145662.1); short protein forms Y213H.
Identifiers: ClinVar variation 2937082 (VCV002937082.4), dbSNP rs2472930556, ClinGen allele CA354406364.

ClinVar aggregate classification (germline): Uncertain significance. Review status: criteria provided, multiple submitters, no conflicts (2 of 4 stars). 2 submissions from 2 submitters: Uncertain significance (2). Last evaluated 2025-03-29.

Conditions:
Inborn genetic diseases. Identifiers: MedGen C0950123, MeSH D030342.
Monocytopenia with susceptibility to infections. Also called: MONOCYTOPENIA AND MYCOBACTERIAL INFECTION SYNDROME; MONOCYTOPENIA WITH SUSCEPTIBILITY TO MYCOBACTERIAL, FUNGAL, AND PAPILLOMAVIRUS INFECTIONS AND MYELODYSPLASIA; COMBINED IMMUNODEFICIENCY WITH SUSCEPTIBILITY TO MYCOBACTERIAL, VIRAL, AND FUNGAL INFECTIONS; Dendritic cell, monocyte, B lymphocyte, and natural killer lymphocyte deficiency; IMMUNODEFICIENCY 21; GATA2 DEFICIENCY. Identifiers: Orphanet 228423, MedGen C3280030, MONDO:0013607, OMIM 614172.
Deafness-lymphedema-leukemia syndrome. Also called: Lymphedema, primary, with myelodysplasia; Emberger syndrome. Identifiers: Orphanet 3226, MedGen C3279664, MONDO:0013540, OMIM 614038.

Submissions (2):

Ambry Genetics
Classification: Uncertain significance for Inborn genetic diseases. Last evaluated: 2025-03-29. Review status: criteria provided, single submitter. Criteria: Ambry Variant Classification Scheme 2023. Collection method: clinical testing. Allele origin: germline.
Comment: The p.Y213H variant (also known as c.637T>C), located in coding exon 2 of the GATA2 gene, results from a T to C substitution at nucleotide position 637. The tyrosine at codon 213 is replaced by histidine, an amino acid with similar properties. This amino acid position is conserved. In addition, this alteration is predicted to be deleterious by in silico analysis. Based on the available evidence, the clinical significance of this variant remains unclear.

Labcorp Genetics (formerly Invitae), Labcorp
Classification: Uncertain significance for Monocytopenia with susceptibility to infections; Deafness-lymphedema-leukemia syndrome. Last evaluated: 2023-09-12. Review status: criteria provided, single submitter. Criteria: Invitae Variant Classification Sherloc (09022015). Collection method: clinical testing. Allele origin: germline.
Comment: In summary, the available evidence is currently insufficient to determine the role of this variant in disease. Therefore, it has been classified as a Variant of Uncertain Significance. Advanced modeling of protein sequence and biophysical properties (such as structural, functional, and spatial information, amino acid conservation, physicochemical variation, residue mobility, and thermodynamic stability) has been performed at Invitae for this missense variant, however the output from this modeling did not meet the statistical confidence thresholds required to predict the impact of this variant on GATA2 protein function. This variant has not been reported in the literature in individuals affected with GATA2-related conditions. This variant is not present in population databases (gnomAD no frequency). This sequence change replaces tyrosine, which is neutral and polar, with histidine, which is basic and polar, at codon 213 of the GATA2 protein (p.Tyr213His).